The following is an entry in ClinVar:

NM_000540.3(RYR1):c.13813G>C (p.Gly4605Arg)

Gene: RYR1 (ryanodine receptor 1; plus strand). Cytogenetic location: 19q13.2.
Variant type: single nucleotide variant.
Coding change: c.13813G>C on transcript NM_000540.3 (MANE Select); coding-DNA position 13813, G replaced by C.
Protein change: p.Gly4605Arg; replaces glycine 4605 with arginine.
Molecular consequence: missense variant.
Genome position (GRCh38, 1-based): chr19:38,572,085, G>C. VCF-style: chr19-38572085-G-C. GRCh37 (hg19) VCF-style: chr19-39062725-G-C.
Other names: c.13798G>C, p.Gly4600Arg (NM_001042723.2); short protein forms G4600R, G4605R.
Identifiers: ClinVar variation 4293885 (VCV004293885.1).
Genomic context (GRCh38, chr19:38,572,085, plus strand): 5'-GACTCTCCACCAGGGGAGGACGACATGGAAGGCTCAGCTGCTGGGGATGTGTCAGGTGCA[G>C]GCTCTGGTGGCAGCTCTGGCTGGGGCTTGGGGGCCGGAGAGGAGGCAGAGGGCGATGAGG-3'
Protein context (NP_000531.2, residues 4595-4615): GSAAGDVSGA[Gly4605Arg]SGGSSGWGLG

ClinVar aggregate classification (germline): Uncertain significance (1 of 4 stars; one submission).

Conditions:
Central core myopathy (CMYO1A). Also called: Central core disease; Myopathy, central fibrillar; CONGENITAL MYOPATHY 1A, AUTOSOMAL DOMINANT, WITH SUSCEPTIBILITY TO MALIGNANT HYPERTHERMIA. Identifiers: Orphanet 597, MedGen C5830701, MONDO:0007294, OMIM 117000.

Submission:

3billion
Classification: Uncertain significance for Central core myopathy. Last evaluated: 2025-02-26. Review status: criteria provided, single submitter. Criteria: ACMG Guidelines, 2015. Collection method: clinical testing. Allele origin: germline. Affected: yes.
Comment: The variant is not observed in the gnomAD v4.1.0 dataset. Predicted Consequence/Location: Missense variant In silico tool predictions suggest damaging effect of the variant on gene or gene product [REVEL: 0.67 (>=0.6, sensitivity 0.68 and specificity 0.92)]. Different missense changes at the same codon have been reported as of uncertain significance (ClinVar ID: VCV000641463). Therefore, this variant is classified as VUS according to the recommendation of ACMG/AMP guideline.